The following is an entry in ClinVar:

ClinVar aggregate classification (germline): Uncertain significance (1 of 4 stars; one submission).

gnomAD v4.1: 33 of 1,613,974 alleles (0.002%); highest among the groups gnomAD compares: Non-Finnish European, 0.0027%; no homozygotes.

Submission:

CeGaT Center for Human Genetics Tuebingen
Classification: Uncertain significance. Last evaluated: 2026-09-01. Review status: criteria provided, single submitter. Criteria: CeGaT Center For Human Genetics Tuebingen Variant Classification Criteria Version 2. Collection method: clinical testing. Allele origin: germline. Affected: yes. Observed: 1 variant allele.
Comment: SMC3: PP2

NM_005445.4(SMC3):c.1250A>G (p.His417Arg)

Gene: SMC3 (structural maintenance of chromosomes 3; plus strand). Cytogenetic location: 10q25.2.
Variant type: single nucleotide variant.
Coding change: c.1250A>G on transcript NM_005445.4 (MANE Select); coding-DNA position 1250, A replaced by G.
Protein change: p.His417Arg; replaces histidine 417 with arginine.
Molecular consequence: missense variant.
Genome position (GRCh38, 1-based): chr10:110,584,341, A>G. VCF-style: chr10-110584341-A-G. GRCh37 (hg19) VCF-style: chr10-112344099-A-G.
Other names: short protein forms H417R.
Identifiers: ClinVar variation 5041052 (VCV005041052.1).